The following is an entry in ClinVar:

ClinVar aggregate classification (germline): Uncertain significance. Review status: criteria provided, multiple submitters, no conflicts (2 of 4 stars). 2 submissions from 2 submitters: Uncertain significance (2). Last evaluated 2025-06-07.

Conditions:
Inborn genetic diseases. Identifiers: MedGen C0950123, MeSH D030342.
Nephronophthisis. Also called: Juvenile Nephronophthisis. Identifiers: Orphanet 655, MedGen C0687120, MONDO:0019005, HP:0000090.

Allele frequency attached by ClinVar (database versions not stated): gnomAD 0.00001; TOPMed 0.00001; gnomAD exomes 0.00002.
gnomAD v4.1: 9 of 1,613,792 alleles (0.00056%); highest among the groups gnomAD compares: Non-Finnish European, 0.00076%; no homozygotes.

Submissions (2):

Ambry Genetics
Classification: Uncertain significance for Inborn genetic diseases. Last evaluated: 2025-06-07. Review status: criteria provided, single submitter. Criteria: Ambry Variant Classification Scheme 2023. Collection method: clinical testing. Allele origin: germline.

Labcorp Genetics (formerly Invitae), Labcorp
Classification: Uncertain significance for Nephronophthisis. Last evaluated: 2022-02-23. Review status: criteria provided, single submitter. Criteria: Invitae Variant Classification Sherloc (09022015). Collection method: clinical testing. Allele origin: germline.
Comment: In summary, the available evidence is currently insufficient to determine the role of this variant in disease. Therefore, it has been classified as a Variant of Uncertain Significance. Algorithms developed to predict the effect of missense changes on protein structure and function (SIFT, PolyPhen-2, Align-GVGD) all suggest that this variant is likely to be disruptive. ClinVar contains an entry for this variant (Variation ID: 963875). This variant has not been reported in the literature in individuals affected with IQCB1-related conditions. This variant is present in population databases (no rsID available, gnomAD 0.003%). This sequence change replaces leucine, which is neutral and non-polar, with tryptophan, which is neutral and slightly polar, at codon 94 of the IQCB1 protein (p.Leu94Trp).

NM_001023570.4(IQCB1):c.281T>G (p.Leu94Trp)

Gene: IQCB1 (IQ motif containing B1; minus strand). Cytogenetic location: 3q13.33.
Variant type: single nucleotide variant.
Coding change: c.281T>G on transcript NM_001023570.4 (MANE Select); coding-DNA position 281, T replaced by G.
Protein change: p.Leu94Trp; replaces leucine 94 with tryptophan.
Molecular consequence: missense variant. On other transcripts: non-coding transcript variant (1).
Genome position (GRCh38, 1-based): chr3:121,826,163, A>C on the plus strand (T>G on the coding strand, the complement: IQCB1 is on the minus strand). VCF-style: chr3-121826163-A-C. GRCh37 (hg19) VCF-style: chr3-121545010-A-C.
Other names: c.281T>G, p.Leu94Trp (NM_001023571.4, NM_001319107.2); short protein forms L94W.
Identifiers: ClinVar variation 963875 (VCV000963875.11), dbSNP rs1482031301, ClinGen allele CA354111905.